The following is an entry in ClinVar:

ClinVar aggregate classification (germline): Likely benign (1 of 4 stars; one submission).

Allele frequency attached by ClinVar (database versions not stated): 1000 Genomes Project 30x 0.00187; 1000 Genomes Project 0.00220; TOPMed 0.00393; gnomAD 0.00482 and 0.00493; gnomAD exomes 0.00555; ESP Exome Variant Server 0.00561; ExAC 0.00573.
gnomAD v4.1: 10,529 of 1,606,516 alleles (0.66%); highest among the groups gnomAD compares: Non-Finnish European, 0.73%; 31 homozygotes.

Submission:

GeneDx
Classification: Likely benign. Last evaluated: 2018-06-16. Review status: criteria provided, single submitter. Criteria: GeneDx Variant Classification (06012015). Collection method: clinical testing. Allele origin: germline. Affected: yes.
Comment: This variant is considered likely benign or benign based on one or more of the following criteria: it is a conservative change, it occurs at a poorly conserved position in the protein, it is predicted to be benign by multiple in silico algorithms, and/or has population frequency not consistent with disease.

NM_000069.3(CACNA1S):c.1233-40C>T

Gene: CACNA1S (calcium voltage-gated channel subunit alpha1 S; minus strand). Cytogenetic location: 1q32.1.
Variant type: single nucleotide variant.
Coding change: c.1233-40C>T on transcript NM_000069.3 (MANE Select); 40 bases into the intron before coding-DNA position 1233, C replaced by T.
Molecular consequence: intron variant.
Genome position (GRCh38, 1-based): chr1:201,083,362, G>A on the plus strand (C>T on the coding strand, the complement: CACNA1S is on the minus strand). VCF-style: chr1-201083362-G-A. GRCh37 (hg19) VCF-style: chr1-201052490-G-A.
Identifiers: ClinVar variation 670459 (VCV000670459.1), dbSNP rs180701604, ClinGen allele CA078068.